The following is an entry in ClinVar:

ClinVar aggregate classification (germline): Uncertain significance (1 of 4 stars; one submission).

Submission:

GeneDx
Classification: Uncertain significance. Last evaluated: 2026-03-02. Review status: criteria provided, single submitter. Criteria: GeneDx Variant Classification Process June 2021. Collection method: clinical testing. Allele origin: germline.
Comment: Not observed at significant frequency in large population cohorts (gnomAD); In silico analysis suggests that this missense variant does not alter protein structure/function; Has not been previously published as pathogenic or benign to our knowledge; This variant is associated with the following publications: (PMID: 26503042, 26138142, 25168514)

NM_002047.4(GARS1):c.1821C>A (p.Phe607Leu)

Gene: GARS1 (glycyl-tRNA synthetase 1; plus strand). Cytogenetic location: 7p14.3.
Variant type: single nucleotide variant.
Coding change: c.1821C>A on transcript NM_002047.4 (MANE Select); coding-DNA position 1821, C replaced by A.
Protein change: p.Phe607Leu; replaces phenylalanine 607 with leucine.
Molecular consequence: missense variant.
Genome position (GRCh38, 1-based): chr7:30,631,459, C>A. VCF-style: chr7-30631459-C-A. GRCh37 (hg19) VCF-style: chr7-30671075-C-A.
Other names: c.1659C>A, p.Phe553Leu (NM_001316772.1); short protein forms F607L, F553L.
Identifiers: ClinVar variation 5008399 (VCV005008399.1).
Genomic context (GRCh38, chr7:30,631,459, plus strand): 5'-ATATTTACAAATTAACATATTTGGATTTTTTTCTTTTTAAATCATCCAGTTCTTCAGTTT[C>A]CCTGCTGTAGTTGCTCCATTCAAATGTTCCGTCCTCCCACTGAGCCAAAACCAGGAGTTC-3'
Protein context (NP_002038.2, residues 597-617): EGDEQRTFFS[Phe607Leu]PAVVAPFKCS